The following is an entry in ClinVar:

NM_003119.4(SPG7):c.1967G>T (p.Arg656Leu)

Gene: SPG7 (SPG7 matrix AAA peptidase subunit, paraplegin; plus strand). Cytogenetic location: 16q24.3.
Variant type: single nucleotide variant.
Coding change: c.1967G>T on transcript NM_003119.4 (MANE Select); coding-DNA position 1967, G replaced by T.
Protein change: p.Arg656Leu; replaces arginine 656 with leucine.
Molecular consequence: missense variant.
Genome position (GRCh38, 1-based): chr16:89,553,824, G>T. VCF-style: chr16-89553824-G-T. GRCh37 (hg19) VCF-style: chr16-89620232-G-T.
Other names: c.1967G>T, p.Arg656Leu (NM_001363850.1); short protein forms R656L.
Identifiers: ClinVar variation 5017840 (VCV005017840.1).

ClinVar aggregate classification (germline): Uncertain significance (1 of 4 stars; one submission).

Submission:

GeneDx
Classification: Uncertain significance. Last evaluated: 2026-04-02. Review status: criteria provided, single submitter. Criteria: GeneDx Variant Classification Process June 2021. Collection method: clinical testing. Allele origin: germline.
Comment: Not observed at significant frequency in large population cohorts (gnomAD); In silico analysis supports that this missense variant has a deleterious effect on protein structure/function; Has not been previously published as pathogenic or benign to our knowledge; This variant is associated with the following publications: (PMID: 22571692)